The following is an entry in ClinVar:

ClinVar aggregate classification (germline): Benign/Likely benign. Review status: criteria provided, multiple submitters, no conflicts (2 of 4 stars). 4 submissions from 4 submitters: Benign (1); Likely benign (3). Last evaluated 2024-11-24.

Conditions:
Hereditary cancer-predisposing syndrome. Also called: Neoplastic Syndromes, Hereditary; Hereditary Cancer Syndrome; Tumor predisposition; Hereditary neoplastic syndrome. Identifiers: Orphanet 140162, MedGen C0027672, MeSH D009386, MONDO:0015356.
Hereditary diffuse gastric adenocarcinoma (HDGC). Also called: DIFFUSE GASTRIC AND LOBULAR BREAST CANCER SYNDROME. Identifiers: Orphanet 26106, MedGen C1708349, MONDO:0007648, OMIM 137215.

Allele frequency attached by ClinVar (database versions not stated): ExAC 0.00001; gnomAD exomes 0.00001.
gnomAD v4.1: 6 of 1,614,214 alleles (0.00037%); highest among the groups gnomAD compares: East Asian, 0.0022%; no homozygotes.

Submissions (4):

Labcorp Genetics (formerly Invitae), Labcorp
Classification: Likely benign. Last evaluated: 2024-11-24. Review status: criteria provided, single submitter. Criteria: Invitae Variant Classification Sherloc (09022015). Collection method: clinical testing. Allele origin: germline.

Myriad Genetics, Inc.
Classification: Benign for Hereditary diffuse gastric adenocarcinoma. Last evaluated: 2024-10-15. Review status: criteria provided, single submitter. Criteria: Myriad Autosomal Dominant, Autosomal Recessive and X-Linked Classification Criteria (2023). Collection method: clinical testing. Allele origin: unknown.
Comment: This variant is considered benign. This variant is a silent/synonymous amino acid change and it is not expected to impact splicing.

Blueprint Genetics
Classification: Likely benign. Last evaluated: 2022-06-23. Review status: criteria provided, single submitter. Criteria: ACMG Guidelines, 2015. Collection method: clinical testing. Allele origin: germline.

Ambry Genetics
Classification: Likely benign for Hereditary cancer-predisposing syndrome. Last evaluated: 2022-02-15. Review status: criteria provided, single submitter. Criteria: Ambry Variant Classification Scheme 2023. Collection method: clinical testing. Allele origin: germline.

NM_001903.5(CTNNA1):c.2403G>A (p.Gln801=)

Gene: CTNNA1 (catenin alpha 1; plus strand). Cytogenetic location: 5q31.2.
Variant type: single nucleotide variant.
Coding change: c.2403G>A on transcript NM_001903.5 (MANE Select); coding-DNA position 2403, G replaced by A.
Protein change: p.Gln801=; no amino-acid change (glutamine 801 retained).
Molecular consequence: synonymous variant. On other transcripts: intron variant (1).
Genome position (GRCh38, 1-based): chr5:138,932,682, G>A. VCF-style: chr5-138932682-G-A. GRCh37 (hg19) VCF-style: chr5-138268371-G-A.
Other names: c.1293G>A, p.Gln431= (NM_001290312.1, NM_001323987.1, NM_001323988.1 and 16 more transcripts); c.2403G>A, p.Gln801= (NM_001323982.2, NM_001323983.1, NM_001323984.2 and 2 more transcripts); c.2310G>A, p.Gln770= (NM_001323986.2); c.954G>A, p.Gln318= (NM_001324006.1, NM_001324007.1, NM_001324008.1 and 2 more transcripts); c.2094G>A, p.Gln698= (NM_001290309.3); c.2034G>A, p.Gln678= (NM_001290310.3); c.1200G>A, p.Gln400= (NM_001324011.1); c.1050G>A, p.Gln350= (NM_001324012.1, NM_001324013.1); and 1 more.
Identifiers: ClinVar variation 1156233 (VCV001156233.13), dbSNP rs757984994, ClinGen allele CA3432180.